The following is an entry in ClinVar:

NM_001004692.2(OR2T12):c.397C>G (p.Leu133Val)

Gene: OR2T12 (olfactory receptor family 2 subfamily T member 12; minus strand). Cytogenetic location: 1q44.
Variant type: single nucleotide variant.
Coding change: c.397C>G on transcript NM_001004692.2 (MANE Select); coding-DNA position 397, C replaced by G.
Protein change: p.Leu133Val; replaces leucine 133 with valine.
Molecular consequence: missense variant.
Genome position (GRCh38, 1-based): chr1:248,295,182, G>C on the plus strand (C>G on the coding strand, the complement: OR2T12 is on the minus strand). VCF-style: chr1-248295182-G-C. GRCh37 (hg19) VCF-style: chr1-248458484-G-C.
Other names: short protein forms L133V.
Identifiers: ClinVar variation 4561773 (VCV004561773.1).

ClinVar aggregate classification (germline): Uncertain significance (1 of 4 stars; one submission).

gnomAD v4.1: 120 of 1,609,394 alleles (0.0075%); highest among the groups gnomAD compares: Middle Eastern, 0.067%; no homozygotes.

Submission:

Ambry Genetics
Classification: Uncertain significance. Last evaluated: 2025-11-13. Review status: criteria provided, single submitter. Criteria: Ambry Variant Classification Scheme 2023. Collection method: clinical testing. Allele origin: germline.
Comment: The c.397C>G (p.L133V) alteration is located in exon 1 (coding exon 1) of the OR2T12 gene. This alteration results from a C to G substitution at nucleotide position 397, causing the leucine (L) at amino acid position 133 to be replaced by a valine (V). Based on data from gnomAD, the G allele has an overall frequency of 0.005% (14/273760) total alleles studied. The highest observed frequency was 0.014% (1/6946) of Other alleles. Based on insufficient or conflicting evidence, the clinical significance of this alteration remains unclear.